The following is an entry in ClinVar:

NC_000017.10:g.(?_11837177)_(11837408_?)del

Gene: DNAH9 (dynein axonemal heavy chain 9; plus strand). Cytogenetic location: 17p12.
Variant type: Deletion.
Identifiers: ClinVar variation 1373890 (VCV001373890.4).

ClinVar aggregate classification (germline): Uncertain significance (1 of 4 stars; one submission).

Submission:

Labcorp Genetics (formerly Invitae), Labcorp
Classification: Uncertain significance. Last evaluated: 2021-09-10. Review status: criteria provided, single submitter. Criteria: Invitae Variant Classification Sherloc (09022015). Collection method: clinical testing. Allele origin: germline.
Comment: In summary, the available evidence is currently insufficient to determine the role of this variant in disease. Therefore, it has been classified as a Variant of Uncertain Significance. Experimental studies and prediction algorithms are not available or were not evaluated, and the functional significance of this variant is currently unknown. This variant has not been reported in the literature in individuals affected with DNAH9-related conditions. This variant is a gross deletion of the genomic region encompassing exon(s) 65 of the DNAH9 gene. This variant would be expected to be in-frame, preserving the integrity of the reading frame.